The following is an entry in ClinVar:

NM_000548.5(TSC2):c.3557A>T (p.Tyr1186Phe)

Gene: TSC2 (TSC complex subunit 2; plus strand). Cytogenetic location: 16p13.3.
Variant type: single nucleotide variant.
Coding change: c.3557A>T on transcript NM_000548.5 (MANE Select); coding-DNA position 3557, A replaced by T.
Protein change: p.Tyr1186Phe; replaces tyrosine 1186 with phenylalanine.
Molecular consequence: missense variant.
Genome position (GRCh38, 1-based): chr16:2,080,324, A>T. VCF-style: chr16-2080324-A-T. GRCh37 (hg19) VCF-style: chr16-2130325-A-T.
Other names: c.3425A>T, p.Tyr1142Phe (NM_001077183.3, NM_001370404.1); c.3557A>T, p.Tyr1186Phe (NM_001114382.3); c.3317A>T, p.Tyr1106Phe (NM_001318827.2); c.3281A>T, p.Tyr1094Phe (NM_001318829.2); c.2825A>T, p.Tyr942Phe (NM_001318831.2); c.3458A>T, p.Tyr1153Phe (NM_001318832.2); c.3428A>T, p.Tyr1143Phe (NM_001363528.2, NM_001370405.1, NM_021055.3); short protein forms Y1143F, Y942F, Y1094F, Y1186F, Y1106F, Y1142F, Y1153F.
Identifiers: ClinVar variation 663289 (VCV000663289.11), dbSNP rs137854421, ClinGen allele CA047470.

ClinVar aggregate classification (germline): Conflicting classifications of pathogenicity. Review status: criteria provided, conflicting classifications (1 of 4 stars). 4 submissions from 4 submitters: Uncertain significance (3); Benign (1). Last evaluated 2025-05-25.

Conditions:
Hereditary cancer-predisposing syndrome. Also called: Neoplastic Syndromes, Hereditary; Hereditary neoplastic syndrome; Tumor predisposition; Hereditary Cancer Syndrome. Identifiers: Orphanet 140162, MedGen C0027672, MeSH D009386, MONDO:0015356.
Tuberous sclerosis syndrome (TSC). Also called: Tuberous Sclerosis Complex; Tuberous sclerosis. Identifiers: Orphanet 805, MedGen C0041341, MONDO:0001734.
Tuberous sclerosis 2 (TSC2). Identifiers: Orphanet 805, MedGen C1860707, MONDO:0013199, OMIM 613254.

gnomAD v4.1: 1 of 1,612,714 alleles (0.000062%); highest among the groups gnomAD compares: Non-Finnish European, 0.000085%; no homozygotes.

Submissions (4):

Labcorp Genetics (formerly Invitae), Labcorp
Classification: Benign for Tuberous sclerosis 2. Last evaluated: 2025-05-25. Review status: criteria provided, single submitter. Criteria: Invitae Variant Classification Sherloc (09022015). Collection method: clinical testing. Allele origin: germline.

Ambry Genetics
Classification: Uncertain significance for Hereditary cancer-predisposing syndrome. Last evaluated: 2025-04-03. Review status: criteria provided, single submitter. Criteria: Ambry Variant Classification Scheme 2023. Collection method: clinical testing. Allele origin: germline.
Comment: The p.Y1186F variant (also known as c.3557A>T), located in coding exon 29 of the TSC2 gene, results from an A to T substitution at nucleotide position 3557. The tyrosine at codon 1186 is replaced by phenylalanine, an amino acid with highly similar properties. This amino acid position is not well conserved in available vertebrate species. In addition, the in silico prediction for this alteration is inconclusive. Based on the available evidence, the clinical significance of this variant remains unclear.

All of Us Research Program, National Institutes of Health
Classification: Uncertain significance for Tuberous sclerosis syndrome. Last evaluated: 2024-02-22. Review status: criteria provided, single submitter. Criteria: ACMG Guidelines, 2015. Collection method: clinical testing. Allele origin: germline. Inheritance: Autosomal dominant inheritance. Observed: 1 variant allele, 1 heterozygote.
Comment: This missense variant replaces tyrosine with phenylalanine at codon 1186 of the TSC2 protein. Computational prediction suggests that this variant may not impact protein structure and function (internally defined REVEL score threshold <= 0.5, PMID: 27666373). To our knowledge, functional studies have not been reported for this variant. This variant has not been reported in individuals affected with TSC2-related disorders in the literature. This variant has been identified in 1/249786 chromosomes in the general population by the Genome Aggregation Database (gnomAD). The available evidence is insufficient to determine the role of this variant in disease conclusively. Therefore, this variant is classified as a Variant of Uncertain Significance.

This study involves interpretation of variants in research participants for the purpose of population health screening. Participant phenotype was not available at the time of variant classification. Additional details can be found in publication PMID: 35346344, PMCID: PMC8962531

GeneDx
Classification: Uncertain significance. Last evaluated: 2024-02-09. Review status: criteria provided, single submitter. Criteria: GeneDx Variant Classification Process June 2021. Collection method: clinical testing. Allele origin: germline. Affected: yes.
Comment: In silico analysis supports that this missense variant does not alter protein structure/function; Has not been previously published as pathogenic or benign to our knowledge